The following is an entry in ClinVar:

ClinVar aggregate classification (germline): Benign. Review status: criteria provided, single submitter (1 of 4 stars). 2 submissions from 2 submitters: Benign (1). 1 of the submissions does not count toward it. Last evaluated 2026-02-03.

Conditions:
TCF20-related disorder. Also called: TCF20-related condition.

Allele frequency attached by ClinVar (database versions not stated): gnomAD exomes 0.00245; ExAC 0.00323; gnomAD 0.00953 and 0.01026; 1000 Genomes Project 0.01018; TOPMed 0.01069; ESP Exome Variant Server 0.01092; 1000 Genomes Project 30x 0.01124.
gnomAD v4.1: 2,874 of 1,614,140 alleles (0.18%); highest among the groups gnomAD compares: African/African-American, 3.5%; 37 homozygotes.

Submissions (2):

Labcorp Genetics (formerly Invitae), Labcorp
Classification: Benign. Last evaluated: 2026-02-03. Review status: criteria provided, single submitter. Criteria: Invitae Variant Classification Sherloc (09022015). Collection method: clinical testing. Allele origin: germline.

PreventionGenetics, part of Exact Sciences
Classification: Benign for TCF20-related condition. Last evaluated: 2024-09-11. Review status: no assertion criteria provided. Collection method: clinical testing. Allele origin: germline. Not counted in ClinVar's aggregate classification.
Comment: This variant is classified as benign based on ACMG/AMP sequence variant interpretation guidelines (Richards et al. 2015 PMID: 25741868, with internal and published modifications).

NM_001378418.1(TCF20):c.441C>T (p.Gly147=)

Gene: TCF20 (transcription factor 20; minus strand). Cytogenetic location: 22q13.2.
Variant type: single nucleotide variant.
Coding change: c.441C>T on transcript NM_001378418.1 (MANE Select); coding-DNA position 441, C replaced by T.
Protein change: p.Gly147=; no amino-acid change (glycine 147 retained).
Molecular consequence: synonymous variant.
Genome position (GRCh38, 1-based): chr22:42,214,865, G>A on the plus strand (C>T on the coding strand, the complement: TCF20 is on the minus strand). VCF-style: chr22-42214865-G-A. GRCh37 (hg19) VCF-style: chr22-42610871-G-A.
Other names: c.441C>T, p.Gly147= (NM_005650.4, NM_181492.3).
Identifiers: ClinVar variation 790778 (VCV000790778.10), dbSNP rs73887968, ClinGen allele CA10267355.